The following is an entry in ClinVar:

ClinVar aggregate classification (germline): Uncertain significance (1 of 4 stars; one submission).

Submission:

GeneDx
Classification: Uncertain significance. Last evaluated: 2023-12-04. Review status: criteria provided, single submitter. Criteria: GeneDx Variant Classification Process June 2021. Collection method: clinical testing. Allele origin: germline. Affected: yes.
Comment: Not observed at significant frequency in large population cohorts (gnomAD); In silico analysis supports that this missense variant does not alter protein structure/function; Has not been previously published as pathogenic or benign to our knowledge

NM_001365.5(DLG4):c.25A>G (p.Arg9Gly)

Genes: ACADVL (acyl-CoA dehydrogenase very long chain; plus strand), DLG4 (discs large MAGUK scaffold protein 4; minus strand). Cytogenetic location: 17p13.1.
Variant type: single nucleotide variant.
Coding change: c.25A>G on transcript NM_001365.5 (MANE Plus Clinical); coding-DNA position 25, A replaced by G.
Protein change: p.Arg9Gly; replaces arginine 9 with glycine.
Molecular consequence: missense variant. On other transcripts: non-coding transcript variant (1), intron variant (1).
Genome position (GRCh38, 1-based): chr17:7,218,634, T>C on the plus strand (A>G on the coding strand, the complement: DLG4 is on the minus strand). VCF-style: chr17-7218634-T-C. GRCh37 (hg19) VCF-style: chr17-7121953-T-C.
Other names: c.25A>G, p.Arg9Gly (NM_001321074.1); c.131+816T>C (NM_001270447.2); short protein forms R9G.
Identifiers: ClinVar variation 3365149 (VCV003365149.1).
Genomic context (GRCh38, chr17:7,218,634, plus strand): 5'-CTGTGAGGAGTGGGGGTGCCCACCGCAGCAGTGGGGGTGCCAGGAGCCAGAGGGCTGACC[T>C]GGGAGCTAGTGAGATGCAAGGAGAATTGGGACAGGGAAGATGCCAACACAGGAAGATGAA-3'
Protein context (NP_001356.1, residues 1-19): MSQRPRAP[Arg9Gly]SALWLLAPPL